The following is an entry in ClinVar:

NM_000081.4(LYST):c.110C>T (p.Thr37Met)

Gene: LYST (lysosomal trafficking regulator; minus strand). Cytogenetic location: 1q42.3.
Variant type: single nucleotide variant.
Coding change: c.110C>T on transcript NM_000081.4 (MANE Select); coding-DNA position 110, C replaced by T.
Protein change: p.Thr37Met; replaces threonine 37 with methionine.
Molecular consequence: missense variant. On other transcripts: non-coding transcript variant (1).
Genome position (GRCh38, 1-based): chr1:235,830,308, G>A on the plus strand (C>T on the coding strand, the complement: LYST is on the minus strand). VCF-style: chr1-235830308-G-A. GRCh37 (hg19) VCF-style: chr1-235993608-G-A.
Other names: p.Thr37Met; c.110C>T, p.Thr37Met (NM_001301365.1); short protein forms T37M.
Identifiers: ClinVar variation 296438 (VCV000296438.13), dbSNP rs375106444, ClinGen allele CA1467728.

ClinVar aggregate classification (germline): Uncertain significance. Review status: criteria provided, multiple submitters, no conflicts (2 of 4 stars). 4 submissions from 4 submitters: Uncertain significance (4). Last evaluated 2026-01-13.

Conditions:
Chédiak-Higashi syndrome (CHS). Also called: Chediak-Higashi Syndrome. Identifiers: Orphanet 167, MedGen C0007965, MONDO:0008963, OMIM 214500.

Allele frequency attached by ClinVar (database versions not stated): ExAC 0.00002; gnomAD 0.00003 and 0.00004; TOPMed 0.00003; ESP Exome Variant Server 0.00008.
gnomAD v4.1: 71 of 1,613,724 alleles (0.0044%); highest among the groups gnomAD compares: Non-Finnish European, 0.0053%; no homozygotes.

Submissions (4):

Labcorp Genetics (formerly Invitae), Labcorp
Classification: Uncertain significance for Chédiak-Higashi syndrome. Last evaluated: 2026-01-13. Review status: criteria provided, single submitter. Criteria: Invitae Variant Classification Sherloc (09022015). Collection method: clinical testing. Allele origin: germline.
Comment: This sequence change replaces threonine, which is neutral and polar, with methionine, which is neutral and non-polar, at codon 37 of the LYST protein (p.Thr37Met). This variant is present in population databases (rs375106444, gnomAD 0.006%). This variant has not been reported in the literature in individuals affected with LYST-related conditions. ClinVar contains an entry for this variant (Variation ID: 296438). Invitae Evidence Modeling of protein sequence and biophysical properties (such as structural, functional, and spatial information, amino acid conservation, physicochemical variation, residue mobility, and thermodynamic stability) indicates that this missense variant is not expected to disrupt LYST protein function with a negative predictive value of 80%. In summary, the available evidence is currently insufficient to determine the role of this variant in disease. Therefore, it has been classified as a Variant of Uncertain Significance.

Mayo Clinic Laboratories, Mayo Clinic
Classification: Uncertain significance. Last evaluated: 2021-11-19. Review status: criteria provided, single submitter. Criteria: ACMG Guidelines, 2015. Collection method: clinical testing. Allele origin: germline.

Blueprint Genetics
Classification: Uncertain significance. Last evaluated: 2019-01-18. Review status: criteria provided, single submitter. Criteria: ACMG Guidelines, 2015. Collection method: clinical testing. Allele origin: germline.

Illumina Laboratory Services, Illumina
Classification: Uncertain significance for Chédiak-Higashi syndrome. Last evaluated: 2018-01-13. Review status: criteria provided, single submitter. Criteria: ICSL Variant Classification Criteria 13 December 2019. Collection method: clinical testing. Allele origin: germline.